The following is an entry in ClinVar:

ClinVar aggregate classification (germline): Likely benign (0 of 4 stars; one submission).

Conditions:
ACTN4-related disorder. Also called: ACTN4-related condition.

Allele frequency attached by ClinVar (database versions not stated): TOPMed 0.00002.
gnomAD v4.1: 28 of 1,613,708 alleles (0.0017%); highest among the groups gnomAD compares: South Asian, 0.0066%; no homozygotes.

Submission:

PreventionGenetics, part of Exact Sciences
Classification: Likely benign for ACTN4-related condition. Last evaluated: 2023-02-17. Review status: no assertion criteria provided. Collection method: clinical testing. Allele origin: germline.
Comment: This variant is classified as likely benign based on ACMG/AMP sequence variant interpretation guidelines (Richards et al. 2015 PMID: 25741868, with internal and published modifications).

NM_004924.6(ACTN4):c.1848G>A (p.Pro616=)

Gene: ACTN4 (actinin alpha 4; plus strand). Cytogenetic location: 19q13.2.
Variant type: single nucleotide variant.
Coding change: c.1848G>A on transcript NM_004924.6 (MANE Select); coding-DNA position 1848, G replaced by A.
Protein change: p.Pro616=; no amino-acid change (proline 616 retained).
Molecular consequence: synonymous variant.
Genome position (GRCh38, 1-based): chr19:38,724,312, G>A. VCF-style: chr19-38724312-G-A. GRCh37 (hg19) VCF-style: chr19-39214952-G-A.
Other names: c.1848G>A, p.Pro616= (NM_001322033.2, NM_001411143.1).
Identifiers: ClinVar variation 3059148 (VCV003059148.2), dbSNP rs544896157, ClinGen allele CA9417795.